The following is an entry in ClinVar:

ClinVar aggregate classification (germline): Uncertain significance (1 of 4 stars; one submission).

Conditions:
Hereditary cancer-predisposing syndrome. Also called: Tumor predisposition; Neoplastic Syndromes, Hereditary; Hereditary Cancer Syndrome; Hereditary neoplastic syndrome. Identifiers: Orphanet 140162, MedGen C0027672, MeSH D009386, MONDO:0015356.

Submission:

Ambry Genetics
Classification: Uncertain significance for Hereditary cancer-predisposing syndrome. Last evaluated: 2024-07-16. Review status: criteria provided, single submitter. Criteria: Ambry Variant Classification Scheme 2023. Collection method: clinical testing. Allele origin: germline.
Comment: The p.T399I variant (also known as c.1196C>T), located in coding exon 9 of the CDH1 gene, results from a C to T substitution at nucleotide position 1196. The threonine at codon 399 is replaced by isoleucine, an amino acid with similar properties. This amino acid position is highly conserved in available vertebrate species. In addition, the in silico prediction for this alteration is inconclusive. Based on the available evidence, the clinical significance of this variant remains unclear.

NM_004360.5(CDH1):c.1196C>T (p.Thr399Ile)

Gene: CDH1 (cadherin 1; plus strand). Cytogenetic location: 16q22.1.
Variant type: single nucleotide variant.
Coding change: c.1196C>T on transcript NM_004360.5 (MANE Select); coding-DNA position 1196, C replaced by T.
Protein change: p.Thr399Ile; replaces threonine 399 with isoleucine.
Molecular consequence: missense variant. On other transcripts: 5 prime UTR variant (2), intron variant (1).
Genome position (GRCh38, 1-based): chr16:68,813,371, C>T. VCF-style: chr16-68813371-C-T. GRCh37 (hg19) VCF-style: chr16-68847274-C-T.
Other names: c.-420C>T (NM_001317185.2); c.-624C>T (NM_001317186.2); c.1137+1108C>T (NM_001317184.2); short protein forms T399I.
Identifiers: ClinVar variation 3488630 (VCV003488630.1).